The following is an entry in ClinVar:

ClinVar aggregate classification (germline): Uncertain significance (1 of 4 stars; one submission).

Conditions:
Luscan-Lumish syndrome. Identifiers: Orphanet 597738, MedGen C4085873, MONDO:0014791, OMIM 616831.

Submission:

Institute of Human Genetics, University of Goettingen
Classification: Uncertain significance for Luscan-Lumish syndrome. Last evaluated: 2020-09-25. Review status: criteria provided, single submitter. Criteria: ACMG Guidelines, 2015. Collection method: clinical testing. Allele origin: unknown. Inheritance: Autosomal dominant inheritance. Affected: yes. Observed: 1 heterozygote.
Comment: The c.4757A>G SETD2-variant (p.(His1586Arg)) is not found in known databases (ExAC or gnomAD), it affects a highly conserved nucleotide, a moderately conserved amino acid and there is a small physicochemical difference between His and Arg. The variant is located within a functional protein domain and has a pathogenic computational verdict based on 8 pathogenic predictions from DANN, EIGEN, FATHMM-MKL, M-CAP, MutationTaster, PrimateAI, PolyPhen-2 and SIFT vs 4 benign predictions from DEOGEN2, MVP, MutationAssessor and REVEL. Thus, we consider this variant to be a variant of uncertain significance. ACMG criteria used for classification: PM1, PM2, PP3, BS2

NM_014159.7(SETD2):c.4757A>G (p.His1586Arg)

Gene: SETD2 (SET domain containing 2, histone lysine methyltransferase; minus strand). Cytogenetic location: 3p21.31.
Variant type: single nucleotide variant.
Coding change: c.4757A>G on transcript NM_014159.7 (MANE Select); coding-DNA position 4757, A replaced by G.
Protein change: p.His1586Arg; replaces histidine 1586 with arginine.
Molecular consequence: missense variant. On other transcripts: non-coding transcript variant (1).
Genome position (GRCh38, 1-based): chr3:47,106,079, T>C on the plus strand (A>G on the coding strand, the complement: SETD2 is on the minus strand). VCF-style: chr3-47106079-T-C. GRCh37 (hg19) VCF-style: chr3-47147569-T-C.
Other names: c.4625A>G, p.His1542Arg (NM_001349370.3); short protein forms H1542R, H1586R.
Identifiers: ClinVar variation 977490 (VCV000977490.4), dbSNP rs2042407555, ClinGen allele CA352514947.